The following is an entry in ClinVar:

NM_004360.5(CDH1):c.32T>G (p.Leu11Arg)

Gene: CDH1 (cadherin 1; plus strand). Cytogenetic location: 16q22.1.
Variant type: single nucleotide variant.
Coding change: c.32T>G on transcript NM_004360.5 (MANE Select); coding-DNA position 32, T replaced by G.
Protein change: p.Leu11Arg; replaces leucine 11 with arginine.
Molecular consequence: missense variant. On other transcripts: 5 prime UTR variant (2).
Genome position (GRCh38, 1-based): chr16:68,737,447, T>G. VCF-style: chr16-68737447-T-G. GRCh37 (hg19) VCF-style: chr16-68771350-T-G.
Other names: c.32T>G, p.Leu11Arg (NM_001317184.2); c.-1584T>G (NM_001317185.2); c.-1788T>G (NM_001317186.2); short protein forms L11R.
Identifiers: ClinVar variation 584913 (VCV000584913.8), dbSNP rs1393903966, ClinGen allele CA396451371.

ClinVar aggregate classification (germline): Uncertain significance. Review status: criteria provided, multiple submitters, no conflicts (2 of 4 stars). 3 submissions from 3 submitters: Uncertain significance (3). Last evaluated 2025-06-12.

Conditions:
Hereditary cancer-predisposing syndrome. Also called: Neoplastic Syndromes, Hereditary; Hereditary Cancer Syndrome; Tumor predisposition; Hereditary neoplastic syndrome. Identifiers: Orphanet 140162, MedGen C0027672, MeSH D009386, MONDO:0015356.
Hereditary diffuse gastric adenocarcinoma (HDGC). Also called: DIFFUSE GASTRIC AND LOBULAR BREAST CANCER SYNDROME. Identifiers: Orphanet 26106, MedGen C1708349, MONDO:0007648, OMIM 137215.

Allele frequency attached by ClinVar (database versions not stated): TOPMed 0.00001.

Submissions (3):

Labcorp Genetics (formerly Invitae), Labcorp
Classification: Uncertain significance for Hereditary diffuse gastric adenocarcinoma. Last evaluated: 2025-06-12. Review status: criteria provided, single submitter. Criteria: Invitae Variant Classification Sherloc (09022015). Collection method: clinical testing. Allele origin: germline.
Comment: This sequence change replaces leucine, which is neutral and non-polar, with arginine, which is basic and polar, at codon 11 of the CDH1 protein (p.Leu11Arg). This variant is not present in population databases (gnomAD no frequency). This variant has not been reported in the literature in individuals affected with CDH1-related conditions. ClinVar contains an entry for this variant (Variation ID: 584913). An algorithm developed to predict the effect of missense changes on protein structure and function (PolyPhen-2) suggests that this variant is likely to be disruptive. In summary, the available evidence is currently insufficient to determine the role of this variant in disease. Therefore, it has been classified as a Variant of Uncertain Significance.

Ambry Genetics
Classification: Uncertain significance for Hereditary cancer-predisposing syndrome. Last evaluated: 2024-09-22. Review status: criteria provided, single submitter. Criteria: Ambry Variant Classification Scheme 2023. Collection method: clinical testing. Allele origin: germline.
Comment: The p.L11R variant (also known as c.32T>G), located in coding exon 1 of the CDH1 gene, results from a T to G substitution at nucleotide position 32. The leucine at codon 11 is replaced by arginine, an amino acid with dissimilar properties. This variant was reported in 1 of 701 Brazilian individuals with features consistent with a hereditary breast and/or ovarian cancer syndrome (Faria JP et al. Breast Cancer Res Treat, 2024 Jun). This amino acid position is conserved. In addition, this alteration is predicted to be tolerated by in silico analysis. Since supporting evidence is limited at this time, the clinical significance of this alteration remains unclear.

Mendelics
Classification: Uncertain significance for Hereditary diffuse gastric cancer. Last evaluated: 2018-07-02. Review status: criteria provided, single submitter. Criteria: Mendelics Assertion Criteria 2017. Collection method: clinical testing. Allele origin: unknown.

Literature cited by the submitters: PubMed 38874686 (cited by Ambry Genetics).